The following is an entry in ClinVar:

ClinVar aggregate classification (germline): Uncertain significance (1 of 4 stars; one submission).

Conditions:
Hereditary breast ovarian cancer syndrome. Also called: Hereditary breast and ovarian cancer syndrome (HBOC); Hereditary breast and ovarian cancer syndrome; Breast and ovarian cancer; BRCA1- and BRCA2-Associated Hereditary Breast and Ovarian Cancer; Hereditary breast and ovarian cancer; Hereditary breast and/or ovarian cancer syndrome. Identifiers: Orphanet 145, MedGen C0677776, MeSH D061325, MONDO:0003582. Disease mechanism: loss of function.

Submission:

Labcorp Genetics (formerly Invitae), Labcorp
Classification: Uncertain significance for Hereditary breast ovarian cancer syndrome. Last evaluated: 2024-02-15. Review status: criteria provided, single submitter. Criteria: Invitae Variant Classification Sherloc (09022015). Collection method: clinical testing. Allele origin: germline.
Comment: This sequence change replaces glutamine, which is neutral and polar, with histidine, which is basic and polar, at codon 73 of the BRCA2 protein (p.Gln73His). This variant is not present in population databases (gnomAD no frequency). This variant has not been reported in the literature in individuals affected with BRCA2-related conditions. Advanced modeling of protein sequence and biophysical properties (such as structural, functional, and spatial information, amino acid conservation, physicochemical variation, residue mobility, and thermodynamic stability) performed at Invitae indicates that this missense variant is not expected to disrupt BRCA2 protein function with a negative predictive value of 95%. In summary, the available evidence is currently insufficient to determine the role of this variant in disease. Therefore, it has been classified as a Variant of Uncertain Significance.

NM_000059.4(BRCA2):c.219G>T (p.Gln73His)

Gene: BRCA2 (BRCA2 DNA repair associated; plus strand). Cytogenetic location: 13q13.1.
Variant type: single nucleotide variant.
Coding change: c.219G>T on transcript NM_000059.4 (MANE Select); coding-DNA position 219, G replaced by T.
Protein change: p.Gln73His; replaces glutamine 73 with histidine.
Molecular consequence: missense variant. On other transcripts: 5 prime UTR variant (1), non-coding transcript variant (1).
Genome position (GRCh38, 1-based): chr13:32,319,228, G>T. VCF-style: chr13-32319228-G-T. GRCh37 (hg19) VCF-style: chr13-32893365-G-T.
Other names: c.219G>T, p.Gln73His (NM_001406719.1, NM_001406720.1, NM_001406721.1); c.-151G>T (NM_001406722.1); short protein forms Q73H.
Identifiers: ClinVar variation 2853539 (VCV002853539.3), dbSNP rs1555280385, ClinGen allele CA387754460.